The following is an entry in ClinVar:

NM_000059.4(BRCA2):c.6659A>G (p.Glu2220Gly)

Gene: BRCA2 (BRCA2 DNA repair associated; plus strand). Cytogenetic location: 13q13.1.
Variant type: single nucleotide variant.
Coding change: c.6659A>G on transcript NM_000059.4 (MANE Select); coding-DNA position 6659, A replaced by G.
Protein change: p.Glu2220Gly; replaces glutamic acid 2220 with glycine.
Molecular consequence: missense variant.
Genome position (GRCh38, 1-based): chr13:32,341,014, A>G. VCF-style: chr13-32341014-A-G. GRCh37 (hg19) VCF-style: chr13-32915151-A-G.
Other names: short protein forms E2220G.
Identifiers: ClinVar variation 489773 (VCV000489773.21), dbSNP rs1555284784, ClinGen allele CA387790440.
Genomic context (GRCh38, chr13:32,341,014, plus strand): 5'-TTTCTGATGTTCCTGTGAAAACAAATATAGAAGTTTGTTCTACTTACTCCAAAGATTCAG[A>G]AAACTACTTTGAAACAGAAGCAGTAGAAATTGCTAAAGCTTTTATGGAAGATGATGAACT-3'
Protein context (NP_000050.3, residues 2210-2230): EVCSTYSKDS[Glu2220Gly]NYFETEAVEI

ClinVar aggregate classification (germline): Conflicting classifications of pathogenicity. Review status: criteria provided, conflicting classifications (1 of 4 stars). 5 submissions from 5 submitters: Uncertain significance (4); Likely benign (1). Last evaluated 2023-12-05.

Conditions:
Hereditary breast ovarian cancer syndrome. Also called: Breast and ovarian cancer; Hereditary breast and/or ovarian cancer syndrome; Hereditary breast and ovarian cancer; Hereditary breast and ovarian cancer syndrome (HBOC); BRCA1- and BRCA2-Associated Hereditary Breast and Ovarian Cancer; Hereditary breast and ovarian cancer syndrome. Identifiers: Orphanet 145, MedGen C0677776, MeSH D061325, MONDO:0003582. Disease mechanism: loss of function.
Hereditary cancer-predisposing syndrome. Also called: Hereditary Cancer Syndrome; Neoplastic Syndromes, Hereditary; Tumor predisposition; Hereditary neoplastic syndrome. Identifiers: Orphanet 140162, MedGen C0027672, MeSH D009386, MONDO:0015356.

Submissions (5):

Color Diagnostics, LLC DBA Color Health
Classification: Uncertain significance for Hereditary cancer-predisposing syndrome. Last evaluated: 2023-12-05. Review status: criteria provided, single submitter. Criteria: ACMG Guidelines, 2015. Collection method: clinical testing. Allele origin: germline.
Comment: This missense variant replaces glutamic acid with glycine at codon 2220 of the BRCA2 protein. Computational prediction suggests that this variant may not impact protein structure and function (internally defined REVEL score threshold <= 0.5, PMID: 27666373). To our knowledge, functional studies have not been reported for this variant. This variant has not been reported in individuals affected with BRCA2-related disorders in the literature. This variant has not been identified in the general population by the Genome Aggregation Database (gnomAD). The available evidence is insufficient to determine the role of this variant in disease conclusively. Therefore, this variant is classified as a Variant of Uncertain Significance.

Ambry Genetics
Classification: Uncertain significance for Hereditary cancer-predisposing syndrome. Last evaluated: 2023-06-22. Review status: criteria provided, single submitter. Criteria: Ambry Variant Classification Scheme 2023. Collection method: clinical testing. Allele origin: germline.
Comment: The p.E2220G variant (also known as c.6659A>G), located in coding exon 10 of the BRCA2 gene, results from an A to G substitution at nucleotide position 6659. The glutamic acid at codon 2220 is replaced by glycine, an amino acid with similar properties. This amino acid position is not well conserved in available vertebrate species. In addition, the in silico prediction for this alteration is inconclusive. Since supporting evidence is limited at this time, the clinical significance of this alteration remains unclear.

Labcorp Genetics (formerly Invitae), Labcorp
Classification: Uncertain significance for Hereditary breast ovarian cancer syndrome. Last evaluated: 2023-04-14. Review status: criteria provided, single submitter. Criteria: Invitae Variant Classification Sherloc (09022015). Collection method: clinical testing. Allele origin: germline.
Comment: In summary, the available evidence is currently insufficient to determine the role of this variant in disease. Therefore, it has been classified as a Variant of Uncertain Significance. Advanced modeling of protein sequence and biophysical properties (such as structural, functional, and spatial information, amino acid conservation, physicochemical variation, residue mobility, and thermodynamic stability) performed at Invitae indicates that this missense variant is not expected to disrupt BRCA2 protein function. ClinVar contains an entry for this variant (Variation ID: 489773). This variant has not been reported in the literature in individuals affected with BRCA2-related conditions. This variant is not present in population databases (gnomAD no frequency). This sequence change replaces glutamic acid, which is acidic and polar, with glycine, which is neutral and non-polar, at codon 2220 of the BRCA2 protein (p.Glu2220Gly).

University of Washington Department of Laboratory Medicine, University of Washington
Classification: Likely benign for Hereditary cancer-predisposing syndrome. Last evaluated: 2023-03-23. Review status: criteria provided, single submitter. Criteria: Dines et al. (Genet Med. 2020). Collection method: curation. Allele origin: germline.
Comment: Missense variant in a coldspot region where missense variants are very unlikely to be pathogenic (PMID:31911673).

BRCA2 exon 11 coldspot. Reclassification based on statistical prior probability.

GeneDx
Classification: Uncertain significance. Last evaluated: 2022-08-05. Review status: criteria provided, single submitter. Criteria: GeneDx Variant Classification Process June 2021. Collection method: clinical testing. Allele origin: germline. Affected: yes.
Comment: Not observed at significant frequency in large population cohorts (gnomAD); In silico analysis supports that this missense variant does not alter protein structure/function; Has not been previously published as pathogenic or benign to our knowledge; Also known as 6887A>G